The following is an entry in ClinVar:

ClinVar aggregate classification (germline): Uncertain significance. Review status: criteria provided, multiple submitters, no conflicts (2 of 4 stars). 2 submissions from 2 submitters: Uncertain significance (2). Last evaluated 2025-12-15.

Conditions:
Inborn genetic diseases. Identifiers: MedGen C0950123, MeSH D030342.

Allele frequency attached by ClinVar (database versions not stated): gnomAD exomes 0.00001; TOPMed 0.00001; ExAC 0.00002; ESP Exome Variant Server 0.00008.
gnomAD v4.1: 5 of 1,613,164 alleles (0.00031%); highest among the groups gnomAD compares: Non-Finnish European, 0.00034%; no homozygotes.

Submissions (2):

Ambry Genetics
Classification: Uncertain significance for Inborn genetic diseases. Last evaluated: 2025-12-15. Review status: criteria provided, single submitter. Criteria: Ambry Variant Classification Scheme 2023. Collection method: clinical testing. Allele origin: germline.

Labcorp Genetics (formerly Invitae), Labcorp
Classification: Uncertain significance. Last evaluated: 2022-02-28. Review status: criteria provided, single submitter. Criteria: Invitae Variant Classification Sherloc (09022015). Collection method: clinical testing. Allele origin: germline.
Comment: This sequence change replaces leucine, which is neutral and non-polar, with isoleucine, which is neutral and non-polar, at codon 2007 of the MYO18B protein (p.Leu2007Ile). This variant is present in population databases (rs371678116, gnomAD 0.003%). This variant has not been reported in the literature in individuals affected with MYO18B-related conditions. Algorithms developed to predict the effect of missense changes on protein structure and function are either unavailable or do not agree on the potential impact of this missense change (SIFT: "Not Available"; PolyPhen-2: "Probably Damaging"; Align-GVGD: "Not Available"). In summary, the available evidence is currently insufficient to determine the role of this variant in disease. Therefore, it has been classified as a Variant of Uncertain Significance.

NM_032608.7(MYO18B):c.6019C>A (p.Leu2007Ile)

Gene: MYO18B (myosin XVIIIB; plus strand). Cytogenetic location: 22q12.1.
Variant type: single nucleotide variant.
Coding change: c.6019C>A on transcript NM_032608.7 (MANE Select); coding-DNA position 6019, C replaced by A.
Protein change: p.Leu2007Ile; replaces leucine 2007 with isoleucine.
Molecular consequence: missense variant.
Genome position (GRCh38, 1-based): chr22:25,955,227, C>A. VCF-style: chr22-25955227-C-A. GRCh37 (hg19) VCF-style: chr22-26351193-C-A.
Other names: c.6022C>A, p.Leu2008Ile (NM_001318245.2); c.6019C>A (NM_032608.5); short protein forms L2007I, L2008I.
Identifiers: ClinVar variation 1949347 (VCV001949347.3), dbSNP rs371678116, ClinGen allele CA10161373.
Genomic context (GRCh38, chr22:25,955,227, plus strand): 5'-TGCCCCTCCCAGGTCCTGGTGATCCGGCTTCGGGACAGCCTGATCAAGATGGGGGAGGAG[C>A]TTTCACAGGCGGCCACCTCCGAGTCCCAGCAGCGGGAGAGCAGCCAGTACTACCAGCGGC-3'
Protein context (NP_115997.5, residues 1997-2017): RDSLIKMGEE[Leu2007Ile]SQAATSESQQ